The following is an entry in ClinVar:

ClinVar aggregate classification (germline): Pathogenic (1 of 4 stars; one submission).

Allele frequency attached by ClinVar (database versions not stated): gnomAD 0.00001; TOPMed below 0.00001.

Submission:

GeneDx
Classification: Pathogenic. Last evaluated: 2016-09-01. Review status: criteria provided, single submitter. Criteria: GeneDx Variant Classification (06012015). Collection method: clinical testing. Allele origin: germline. Affected: yes.
Comment: The R29X pathogenic variant in the SNAP29 gene has not been reported previously as a pathogenic variant nor as a benign variant, to our knowledge. This variant is predicted to cause loss of normal protein function either through protein truncation or nonsense-mediated mRNA decay. The R29X variant was not observed in approximately 6500 individuals of European and African American ancestry in the NHLBI Exome Sequencing Project, indicating it is not a common benign variant in these populations. We interpret et R29X as a pathogenic variant.

NM_004782.4(SNAP29):c.85C>T (p.Arg29Ter)

Gene: SNAP29 (synaptosome associated protein 29; plus strand). Cytogenetic location: 22q11.21.
Variant type: single nucleotide variant.
Coding change: c.85C>T on transcript NM_004782.4 (MANE Select); coding-DNA position 85, C replaced by T.
Protein change: p.Arg29Ter; replaces arginine 29 with a stop codon.
Molecular consequence: nonsense.
Genome position (GRCh38, 1-based): chr22:20,859,195, C>T. VCF-style: chr22-20859195-C-T. GRCh37 (hg19) VCF-style: chr22-21213483-C-T.
Other names: short protein forms R29*.
Identifiers: ClinVar variation 280840 (VCV000280840.2), dbSNP rs749633059, ClinGen allele CA10603381.
Genomic context (GRCh38, chr22:20,859,195, plus strand): 5'-AATCCGTTCGACGACGACGGGGAGGACGAAGGCGCCCGGCCGGCCCCTTGGAGGGACGCC[C>T]GAGACCTCCCCGACGGGCCCGACGCGCCCGCGGACAGGCAGCAGTACTTGCGGCAGGAGG-3'